The following is an entry in ClinVar:

ClinVar aggregate classification (germline): Uncertain significance (1 of 4 stars; one submission).

Conditions:
Hereditary cancer-predisposing syndrome. Also called: Neoplastic Syndromes, Hereditary; Tumor predisposition; Hereditary neoplastic syndrome; Hereditary Cancer Syndrome. Identifiers: Orphanet 140162, MedGen C0027672, MeSH D009386, MONDO:0015356.

Submission:

Ambry Genetics
Classification: Uncertain significance for Hereditary cancer-predisposing syndrome. Last evaluated: 2023-12-12. Review status: criteria provided, single submitter. Criteria: Ambry Variant Classification Scheme 2023. Collection method: clinical testing. Allele origin: germline.
Comment: The p.I2391M variant (also known as c.7173T>G), located in coding exon 15 of the APC gene, results from a T to G substitution at nucleotide position 7173. The isoleucine at codon 2391 is replaced by methionine, an amino acid with highly similar properties. This amino acid position is highly conserved in available vertebrate species. In addition, in silico predictors for this gene do not accurately predict pathogenicity. Since supporting evidence is limited at this time, the clinical significance of this alteration remains unclear.

NM_000038.6(APC):c.7173T>G (p.Ile2391Met)

Gene: APC (APC regulator of Wnt signaling pathway; plus strand). Cytogenetic location: 5q22.2.
Variant type: single nucleotide variant.
Coding change: c.7173T>G on transcript NM_000038.6 (MANE Select); coding-DNA position 7173, T replaced by G.
Protein change: p.Ile2391Met; replaces isoleucine 2391 with methionine.
Molecular consequence: missense variant. On other transcripts: non-coding transcript variant (2).
Genome position (GRCh38, 1-based): chr5:112,842,767, T>G. VCF-style: chr5-112842767-T-G. GRCh37 (hg19) VCF-style: chr5-112178464-T-G.
Other names: c.7227T>G, p.Ile2409Met (NM_001407447.1, NM_001407448.1, NM_001407449.1 and 1 more transcripts); c.7173T>G, p.Ile2391Met (NM_001407450.1, NM_001127510.3, NM_001354895.2); c.7152T>G, p.Ile2384Met (NM_001407451.1); c.7143T>G, p.Ile2381Met (NM_001407452.1); c.6996T>G, p.Ile2332Met (NM_001407453.1, NM_001354901.2); c.6924T>G, p.Ile2308Met (NM_001407454.1, NM_001407455.1, NM_001407456.1 and 1 more transcripts); c.6870T>G, p.Ile2290Met (NM_001407458.1, NM_001407459.1, NM_001407460.1 and 1 more transcripts); c.6786T>G, p.Ile2262Met (NM_001407467.1, NM_001407469.1); and 11 more; short protein forms I2007M, I2108M, I2231M, I2262M, I2265M, I2290M, I2300M, I2308M.
Identifiers: ClinVar variation 3231174 (VCV003231174.1), dbSNP rs1561613381, ClinGen allele CA16036954.